The following is an entry in ClinVar:

ClinVar aggregate classification (germline): Likely benign (1 of 4 stars; one submission).

Conditions:
GLS-related disorder. Also called: GLS-related condition.

Submission:

PreventionGenetics, part of Exact Sciences
Classification: Likely benign for GLS-related condition. Last evaluated: 2025-11-19. Review status: criteria provided, single submitter. Criteria: ACMG Guidelines, 2015. Collection method: clinical testing. Allele origin: germline.
Comment: This variant is classified as likely benign based on ACMG/AMP sequence variant interpretation guidelines (Richards et al. 2015 PMID: 25741868, with internal and published modifications).

NM_014905.5(GLS):c.-165_-163del

Gene: GLS (glutaminase; plus strand). Cytogenetic location: 2q32.2.
Variant type: Deletion.
Coding change: c.-165_-163del on transcript NM_014905.5 (MANE Select); 165 bases upstream of the start codon through 163 bases upstream of the start codon, 3 bases deleted (ACC; older notation c.-165_-163delACC).
Molecular consequence: 5 prime UTR variant.
Genome position (GRCh38, 1-based): chr2:190,880,920-190,880,922, ACC deleted; deleting any 3 consecutive bases within chr2:190,880,919-190,880,922 gives the same sequence; the c. name uses the placement nearest the transcript's 3' end. VCF-style (leftmost placement, unchanged base first): chr2-190880918-GCAC-G. GRCh37 (hg19) VCF-style: chr2-191745644-GCAC-G.
Other names: c.-165_-163del (NM_001256310.2, NM_001437282.1, NM_001437283.1).
Identifiers: ClinVar variation 4988746 (VCV004988746.1).
Genomic context (GRCh38, chr2:190,880,918, plus strand): 5'-CGGCAATCCTAGCGCGCAGCAGCAGCAGCAGCAGCAGCAGCAGCAGCAGCAGCAGCAGCA[GCAC>G]CCGCATCCGCTGCGGGAGTCCGAGCCGGAACCACACCCAAGTAGCTGCCCTTTCCTCTTC-3'